The following is an entry in ClinVar:

NM_001267550.2(TTN):c.107618G>A (p.Gly35873Glu)

Genes: TTN-AS1 (TTN antisense RNA 1; plus strand), TTN (titin; minus strand). Cytogenetic location: 2q31.2.
Variant type: single nucleotide variant.
Coding change: c.107618G>A on transcript NM_001267550.2 (MANE Select); coding-DNA position 107618, G replaced by A.
Protein change: p.Gly35873Glu; replaces glycine 35873 with glutamic acid.
Molecular consequence: missense variant.
Genome position (GRCh38, 1-based): chr2:178,527,508, C>T on the plus strand (G>A on the coding strand, the complement: TTN is on the minus strand). VCF-style: chr2-178527508-C-T. GRCh37 (hg19) VCF-style: chr2-179392235-C-T.
Other names: c.102695G>A, p.Gly34232Glu (NM_001256850.1); c.80423G>A, p.Gly26808Glu (NM_003319.4); c.99914G>A, p.Gly33305Glu (NM_133378.4); c.80798G>A, p.Gly26933Glu (NM_133432.3); c.80999G>A, p.Gly27000Glu (NM_133437.4); short protein forms G34232E, G35873E, G26808E, G26933E, G27000E, G33305E.
Identifiers: ClinVar variation 4782759 (VCV004782759.1).

ClinVar aggregate classification (germline): Uncertain significance (1 of 4 stars; one submission).

Conditions:
Dilated cardiomyopathy 1G (CMD1G). Identifiers: Orphanet 154, MedGen C1858763, MONDO:0011400, OMIM 604145.
Autosomal recessive limb-girdle muscular dystrophy type 2J (LGMDR10). Also called: Limb-girdle muscular dystrophy, type 2J; MUSCULAR DYSTROPHY, LIMB-GIRDLE, AUTOSOMAL RECESSIVE 10. Identifiers: Orphanet 140922, MedGen C1837342, MONDO:0012127, OMIM 608807.

Submission:

Labcorp Genetics (formerly Invitae), Labcorp
Classification: Uncertain significance for Dilated cardiomyopathy 1G; Autosomal recessive limb-girdle muscular dystrophy type 2J. Last evaluated: 2025-07-16. Review status: criteria provided, single submitter. Criteria: Invitae Variant Classification Sherloc (09022015). Collection method: clinical testing. Allele origin: germline.
Comment: This sequence change replaces glycine, which is neutral and non-polar, with glutamic acid, which is acidic and polar, at codon 35873 of the TTN protein (p.Gly35873Glu). This variant is present in population databases (rs779751085, gnomAD 0.0009%). This variant has not been reported in the literature in individuals affected with TTN-related conditions. Experimental studies and prediction algorithms are not available or were not evaluated, and the functional significance of this variant is currently unknown. This variant is located in the M band of TTN (PMID: 25589632). Non-truncating variants in this region may be relevant for neuromuscular disorders, but have not been definitively shown to cause cardiomyopathy (PMID: 23975875). In summary, the available evidence is currently insufficient to determine the role of this variant in disease. Therefore, it has been classified as a Variant of Uncertain Significance.

Literature cited by the submitters: PubMed 25589632; PubMed 23975875.